The following is an entry in ClinVar:

ClinVar aggregate classification (germline): Pathogenic/Likely pathogenic. Review status: criteria provided, multiple submitters, no conflicts (2 of 4 stars). 25 submissions from 25 submitters: Pathogenic (21); Likely pathogenic (1). 3 of the submissions do not count toward it. Last evaluated 2026-06-21.

Conditions:
G6PD-related disorders.
Malaria, susceptibility to. Identifiers: Orphanet 673, MedGen C1970028, MONDO:0021024, OMIM 611162.
Anemia, nonspherocytic hemolytic, due to G6PD deficiency (CNSHA1). Also called: Class I glucose-6-phosphate dehydrogenase deficiency; Favism, susceptibility to; ANEMIA, CONGENITAL, NONSPHEROCYTIC HEMOLYTIC, 1; Hemolytic anemia due to G6PD deficiency. Identifiers: Orphanet 466026, MedGen C2720289, MONDO:0010480, OMIM 300908.
G6PD MAHIDOL.
G6PD deficiency. Also called: G6PD A-. Identifiers: MedGen C2939465, MONDO:0005775.

Allele frequency attached by ClinVar (database versions not stated): gnomAD below 0.00001 and 0.00005; gnomAD exomes 0.00004 and 0.00003; ExAC 0.00005; TOPMed 0.00002.
gnomAD v4.1: 46 of 1,209,982 alleles (0.0038%); highest among the groups gnomAD compares: South Asian, 0.051%; no homozygotes.

Submissions 1 to 9 of 25:

Victorian Clinical Genetics Services, Murdoch Childrens Research Institute
Classification: Pathogenic for Anemia, nonspherocytic hemolytic, due to G6PD deficiency. Last evaluated: 2026-06-21. Review status: criteria provided, single submitter. Criteria: ACMG Guidelines, 2015. Collection method: clinical testing. Allele origin: germline.
Comment: This variant is classified as Pathogenic. Evidence in support of pathogenic classification: Variant is present in gnomAD (v4) <0.001 for a recessive condition (21 heterozygotes, 25 hemizygotes); This variant has strong previous evidence of pathogenicity in unrelated individuals. This variant is one of the most common pathogenic G6PD variants in Thai and Burmese populations (WHO class II or III; ClinVar, PMID: 22171972, PMID: 25536053) - This variant has moderate functional evidence supporting abnormal protein function. This variant results in impaired folding and reduced protein stability (PMID: 17959407). - Another missense variant comparable to the one identified in this case has limited previous evidence for pathogenicity. An alternative missense change to aspartic acid has been described in individuals with severe G6PD deficiency (WHO class I; PMID: 27880809). Additional information: Variant is predicted to result in a missense amino acid change from Gly to Ser; This variant is hemizygous; This gene is associated with X-linked recessive disease. Hemizygous males and homozygous females are commonly affected, however some heterozygous female carriers can also be affected depending on X inactivation; Variant is located in the annotated NAD binding domain (DECIPHER); Missense variant with conflicting in silico predictions and uninformative conservation.

Institute for Human Genetics, University Hospital Essen
Classification: Pathogenic for Anemia, nonspherocytic hemolytic, due to G6PD deficiency. Last evaluated: 2026-03-03. Review status: criteria provided, single submitter. Criteria: ACMG Guidelines, 2015. Collection method: clinical testing. Allele origin: unknown. Affected: yes. Observed: 1 variant allele.
Comment: The alteration c.487G>A was shown numerous times by functional studies to have a damaging effect on the gene or gene product (PMID:32425388, PMID:17959407, PMID:16607506, PMID:8118045) (PS3), the variant is located in a mutational hot spot and/or critical and well-established functional domain without benign variation (PM1), Multiple lines of computational evidence support a deleterious effect on the gene or gene product (PP3_str), The variant was detected in a patient with a phenotype highly specific for a disease (PP4_str)

Labcorp Genetics (formerly Invitae), Labcorp
Classification: Pathogenic for Anemia, nonspherocytic hemolytic, due to G6PD deficiency. Last evaluated: 2025-11-03. Review status: criteria provided, single submitter. Criteria: Invitae Variant Classification Sherloc (09022015). Collection method: clinical testing. Allele origin: germline.
Comment: This sequence change replaces glycine, which is neutral and non-polar, with serine, which is neutral and polar, at codon 163 of the G6PD protein (p.Gly163Ser). This variant is present in population databases (rs137852314, gnomAD 0.04%). This missense change has been observed in individuals with glucose-6-phosphate dehydrogenase deficiency (PMID: 2503817, 11499668, 11793482, 21989994, 23926329, 26226515, 27880809). It is commonly reported in individuals of South Asian ancestry (PMID: 2503817, 11499668, 11793482, 21989994, 23926329, 26226515, 27880809). This variant is also known as G6PD Mahidol. ClinVar contains an entry for this variant (Variation ID: 10367). An algorithm developed to predict the effect of missense changes on protein structure and function (PolyPhen-2) suggests that this variant is likely to be disruptive. Experimental studies have shown that this missense change affects G6PD function (PMID: 8118045, 17959407, 22165289). For these reasons, this variant has been classified as Pathogenic.

GeneDx
Classification: Pathogenic. Last evaluated: 2025-08-20. Review status: criteria provided, single submitter. Criteria: GeneDx Variant Classification Process June 2021. Collection method: clinical testing. Allele origin: germline. Affected: yes.
Comment: Published functional studies demonstrate G163S is less stable than wild type in both thermostability and urea-induced inactivation tests, and is also impaired in its folding properties (PMID: 17959407); In silico analysis supports that this missense variant has a deleterious effect on protein structure/function; This variant is associated with the following publications: (PMID: 20007901, 22165289, 29548282, 33069889, 34272389, 31323480, 11793482, 12215013, 36212142, 34659341, 33637102, 21989994, 27880809, 2503817, 29240263, 28356147, 28138089, 11499668, 1924316, 8956035, 15349799, 4435794, 1562739, 31589614, 37967096, 36681081, 34953813, 30097005, 29251006, 28376293, 17959407)

CeGaT Center for Human Genetics Tuebingen
Classification: Pathogenic. Last evaluated: 2025-03-01. Review status: criteria provided, single submitter. Criteria: CeGaT Center For Human Genetics Tuebingen Variant Classification Criteria Version 2. Collection method: clinical testing. Allele origin: germline. Affected: yes. Observed: 2 variant alleles.
Comment: G6PD: PM1, PM2, PM5, PS3:Moderate, PS4:Moderate

Molecular Genetics, Royal Melbourne Hospital
Classification: Pathogenic for G6PD deficiency. Last evaluated: 2024-09-08. Review status: criteria provided, single submitter. Criteria: ACMG Guidelines, 2015. Collection method: clinical testing. Allele origin: germline. Inheritance: X-linked inheritance.
Comment: This sequence change in G6PD is predicted to replace glycine with serine at codon 163, p.(Gly163Ser). The glycine residue is highly conserved (100 vertebrates, Multiz Alignments), and is located in the glucose-6-phosphate dehydrogenase NAD-binding domain. There is a small physicochemical difference between glycine and serine. The highest population minor allele frequency in the population database gnomAD v4.1 is 0.05% (29/56,904 alleles, 20 hemizygotes) in the South Asian population. This variant is known as Mahidol and is highly prevalent in Thailand and Myanmar. It is a WHO Class B variant for G6PD deficiency (formerly Class II/III) which have median G6PD activity <45% of normal activity in homozygotes/hemizygotes and solid evidence that they induce acute haemolytic anaemia (PMID: 35247950, 37415281). Hemizygous individuals with this variant displayed a mean G6PD activity of 15% of normal activity (PMID: 37415281). Heterozygous females with this variant had an increased risk of primaquine-induced haemolysis compared to controls (PMID: 28170391). Functional studies with limited validation assaying G6PD activity are supportive of a damaging effect on protein function (PMID: 22165289, 17959407). Computational evidence predicts a deleterious effect for the missense substitution (REVEL = 0.935) and predicts no impact on splicing (SpliceAI) for the nucleotide change. Based on the classification scheme RMH Modified ACMG/AMP Guidelines v1.7.0, this variant is classified as PATHOGENIC, low penetrance.

Blueprint Genetics
Classification: Pathogenic for G6PD-related disorders. Last evaluated: 2024-09-02. Review status: criteria provided, single submitter. Criteria: ACMG Guidelines, 2015. Collection method: clinical testing. Allele origin: germline. Affected: yes. Observed: 5 variant alleles.

Johns Hopkins Genomics, Johns Hopkins University
Classification: Pathogenic for Anemia, nonspherocytic hemolytic, due to G6PD deficiency. Last evaluated: 2024-05-25. Review status: criteria provided, single submitter. Criteria: ACMG Guidelines, 2015. Collection method: clinical testing. Allele origin: germline.
Comment: This G6PD variant (rs137852314) is rare (<0.1%) in a large population dataset (gnomADv2.1.1: 8/181825 total alleles; 0.004%; 3 hemizygotes) and has been reported in ClinVar. Also known as G6PD Mahidol, it is one of the most frequently reported pathogenic G6PD variants in Southeast Asian populations. The glycine residue at this position is strongly conserved across the vertebrate species assessed. G6PD enzymatic activity in hemizygous males is below 10% (WHO Class II) of the activity detected in males without this variant. In vitro functional studies support an effect of p.Gly163Ser on G6PD protein stability and activity. We consider c.487G>A (p.Gly163Ser) to be pathogenic for X-linked G6PD deficiency.

Baylor Genetics
Classification: Pathogenic for Malaria, susceptibility to. Last evaluated: 2024-03-20. Review status: criteria provided, single submitter. Criteria: ACMG Guidelines, 2015. Collection method: clinical testing. Allele origin: unknown.

NM_000402.4(G6PD):c.577G>A (p.Gly193Ser)

Gene: G6PD (glucose-6-phosphate dehydrogenase; minus strand). Cytogenetic location: Xq28.
Variant type: single nucleotide variant.
Coding change: c.577G>A on transcript NM_000402.4; coding-DNA position 577, G replaced by A.
Protein change: p.Gly193Ser; replaces glycine 193 with serine.
Molecular consequence: missense variant.
Genome position (GRCh38, 1-based): chrX:154,534,495, C>T on the plus strand (G>A on the coding strand, the complement: G6PD is on the minus strand). VCF-style: chrX-154534495-C-T. GRCh37 (hg19) VCF-style: chrX-153762710-C-T.
Other names: G6PD, GLY163SER; G6PD Mahidol; c.487G>A, p.Gly163Ser (NM_001042351.3, NM_001360016.2); c.577G>A (NM_000402.3); c.487G>A (NM_001360016.1); short protein forms G163S, G193S.
Identifiers: ClinVar variation 10367 (VCV000010367.66), dbSNP rs137852314, ClinGen allele CA120953.